The following is an entry in ClinVar:

ClinVar aggregate classification (germline): Uncertain significance (1 of 4 stars; one submission).

Conditions:
PHGDH deficiency. Identifiers: Orphanet 79351, MedGen C1866174, MONDO:0011152, OMIM 601815.

Submission:

Labcorp Genetics (formerly Invitae), Labcorp
Classification: Uncertain significance for PHGDH deficiency. Last evaluated: 2022-06-13. Review status: criteria provided, single submitter. Criteria: Invitae Variant Classification Sherloc (09022015). Collection method: clinical testing. Allele origin: germline.
Comment: This variant has not been reported in the literature in individuals affected with PHGDH-related conditions. In summary, the available evidence is currently insufficient to determine the role of this variant in disease. Therefore, it has been classified as a Variant of Uncertain Significance. Algorithms developed to predict the effect of missense changes on protein structure and function output the following: SIFT: "Tolerated"; PolyPhen-2: "Benign"; Align-GVGD: "Class C0". The valine amino acid residue is found in multiple mammalian species, which suggests that this missense change does not adversely affect protein function. This variant is not present in population databases (gnomAD no frequency). This sequence change replaces alanine, which is neutral and non-polar, with valine, which is neutral and non-polar, at codon 345 of the PHGDH protein (p.Ala345Val).

NM_006623.4(PHGDH):c.1034C>T (p.Ala345Val)

Gene: PHGDH (phosphoglycerate dehydrogenase; plus strand). Cytogenetic location: 1p12.
Variant type: single nucleotide variant.
Coding change: c.1034C>T on transcript NM_006623.4 (MANE Select); coding-DNA position 1034, C replaced by T.
Protein change: p.Ala345Val; replaces alanine 345 with valine.
Molecular consequence: missense variant.
Genome position (GRCh38, 1-based): chr1:119,740,474, C>T. VCF-style: chr1-119740474-C-T. GRCh37 (hg19) VCF-style: chr1-120283097-C-T.
Other names: short protein forms A345V.
Identifiers: ClinVar variation 2005946 (VCV002005946.4), dbSNP rs1269372835, ClinGen allele CA341852447.